The following is an entry in ClinVar:

ClinVar aggregate classification (germline): Uncertain significance (1 of 4 stars; one submission).

Allele frequency attached by ClinVar (database versions not stated): ExAC 0.00001; gnomAD exomes 0.00001; gnomAD 0.00005; TOPMed 0.00006.

Submission:

Labcorp Genetics (formerly Invitae), Labcorp
Classification: Uncertain significance. Last evaluated: 2024-11-11. Review status: criteria provided, single submitter. Criteria: Invitae Variant Classification Sherloc (09022015). Collection method: clinical testing. Allele origin: germline.
Comment: This sequence change replaces arginine, which is basic and polar, with cysteine, which is neutral and slightly polar, at codon 204 of the ABCG8 protein (p.Arg204Cys). This variant is present in population databases (rs775624442, gnomAD 0.01%). This variant has not been reported in the literature in individuals affected with ABCG8-related conditions. ClinVar contains an entry for this variant (Variation ID: 2826568). Invitae Evidence Modeling of protein sequence and biophysical properties (such as structural, functional, and spatial information, amino acid conservation, physicochemical variation, residue mobility, and thermodynamic stability) indicates that this missense variant is not expected to disrupt ABCG8 protein function with a negative predictive value of 80%. In summary, the available evidence is currently insufficient to determine the role of this variant in disease. Therefore, it has been classified as a Variant of Uncertain Significance.

NM_022437.3(ABCG8):c.610C>T (p.Arg204Cys)

Gene: ABCG8 (ATP binding cassette subfamily G member 8; plus strand). Cytogenetic location: 2p21.
Variant type: single nucleotide variant.
Coding change: c.610C>T on transcript NM_022437.3 (MANE Select); coding-DNA position 610, C replaced by T.
Protein change: p.Arg204Cys; replaces arginine 204 with cysteine.
Molecular consequence: missense variant.
Genome position (GRCh38, 1-based): chr2:43,852,402, C>T. VCF-style: chr2-43852402-C-T. GRCh37 (hg19) VCF-style: chr2-44079541-C-T.
Other names: c.610C>T, p.Arg204Cys (NM_001357321.2); short protein forms R204C.
Identifiers: ClinVar variation 2826568 (VCV002826568.2), dbSNP rs775624442, ClinGen allele CA1637087.